The following is an entry in ClinVar:

NM_001365536.1(SCN9A):c.4093C>G (p.Pro1365Ala)

Genes: SCN1A-AS1 (SCN1A and SCN9A antisense RNA 1; plus strand), SCN9A (sodium voltage-gated channel alpha subunit 9; minus strand). Cytogenetic location: 2q24.3.
Variant type: single nucleotide variant.
Coding change: c.4093C>G on transcript NM_001365536.1 (MANE Select); coding-DNA position 4093, C replaced by G.
Protein change: p.Pro1365Ala; replaces proline 1365 with alanine.
Molecular consequence: missense variant.
Genome position (GRCh38, 1-based): chr2:166,228,804, G>C on the plus strand (C>G on the coding strand, the complement: SCN9A is on the minus strand). VCF-style: chr2-166228804-G-C. GRCh37 (hg19) VCF-style: chr2-167085314-G-C.
Other names: c.4060C>G, p.Pro1354Ala (NM_002977.4); short protein forms P1354A, P1365A.
Identifiers: ClinVar variation 969220 (VCV000969220.10), dbSNP rs1694958415, ClinGen allele CA349063639.

ClinVar aggregate classification (germline): Uncertain significance (1 of 4 stars; one submission).

Conditions:
Generalized epilepsy with febrile seizures plus, type 7 (GEFSP7). Also called: GEFS+, TYPE 7. Identifiers: Orphanet 36387, MedGen C2751778, MONDO:0013470, OMIM 613863.
Neuropathy, hereditary sensory and autonomic, type 2A (HSAN2A). Also called: HSAN IIA; WNK1-Related HSAN2 (HSAN2A); MORVAN DISEASE; NEUROPATHY, CONGENITAL SENSORY; NEUROPATHY, HEREDITARY SENSORY RADICULAR, AUTOSOMAL RECESSIVE; NEUROPATHY, HEREDITARY SENSORY, TYPE IIA. Identifiers: Orphanet 970, MedGen C2752089, MONDO:0024309, OMIM 201300.

Submission:

Labcorp Genetics (formerly Invitae), Labcorp
Classification: Uncertain significance for Neuropathy, hereditary sensory and autonomic, type 2A; Generalized epilepsy with febrile seizures plus, type 7. Last evaluated: 2019-10-15. Review status: criteria provided, single submitter. Criteria: Invitae Variant Classification Sherloc (09022015). Collection method: clinical testing. Allele origin: germline.
Comment: This sequence change replaces proline with alanine at codon 1354 of the SCN9A protein (p.Pro1354Ala). The proline residue is weakly conserved and there is a small physicochemical difference between proline and alanine. This variant is not present in population databases (ExAC no frequency). This variant has not been reported in the literature in individuals with SCN9A-related conditions. Algorithms developed to predict the effect of missense changes on protein structure and function output the following: SIFT: "Tolerated"; PolyPhen-2: "Benign"; Align-GVGD: "Class C0". The alanine amino acid residue is found in multiple mammalian species, suggesting that this missense change does not adversely affect protein function. These predictions have not been confirmed by published functional studies and their clinical significance is uncertain. In summary, the available evidence is currently insufficient to determine the role of this variant in disease. Therefore, it has been classified as a Variant of Uncertain Significance.